The following is an entry in ClinVar:

ClinVar aggregate classification (germline): Uncertain significance (1 of 4 stars; one submission).

Conditions:
Familial cancer of breast. Also called: hereditary breast carcinoma; BREAST CANCER, FAMILIAL; Hereditary breast cancer. Identifiers: Orphanet 227535, MedGen C0346153, MONDO:0016419, OMIM 114480. Disease mechanism: loss of function.

Submission:

Labcorp Genetics (formerly Invitae), Labcorp
Classification: Uncertain significance for Familial cancer of breast. Last evaluated: 2024-06-21. Review status: criteria provided, single submitter. Criteria: Invitae Variant Classification Sherloc (09022015). Collection method: clinical testing. Allele origin: germline.
Comment: This sequence change replaces tryptophan, which is neutral and slightly polar, with serine, which is neutral and polar, at codon 912 of the PALB2 protein (p.Trp912Ser). This variant is not present in population databases (gnomAD no frequency). This variant has not been reported in the literature in individuals affected with PALB2-related conditions. Advanced modeling of protein sequence and biophysical properties (such as structural, functional, and spatial information, amino acid conservation, physicochemical variation, residue mobility, and thermodynamic stability) performed at Invitae indicates that this missense variant is expected to disrupt PALB2 protein function with a positive predictive value of 80%. In summary, the available evidence is currently insufficient to determine the role of this variant in disease. Therefore, it has been classified as a Variant of Uncertain Significance.

NM_024675.4(PALB2):c.2735G>C (p.Trp912Ser)

Gene: PALB2 (partner and localizer of BRCA2; minus strand). Cytogenetic location: 16p12.2.
Variant type: single nucleotide variant.
Coding change: c.2735G>C on transcript NM_024675.4 (MANE Select); coding-DNA position 2735, G replaced by C.
Protein change: p.Trp912Ser; replaces tryptophan 912 with serine.
Molecular consequence: missense variant. On other transcripts: intron variant (3).
Genome position (GRCh38, 1-based): chr16:23,626,249, C>G on the plus strand (G>C on the coding strand, the complement: PALB2 is on the minus strand). VCF-style: chr16-23626249-C-G. GRCh37 (hg19) VCF-style: chr16-23637570-C-G.
Other names: c.2735G>C, p.Trp912Ser (NM_001407301.1, NM_001407299.1, NM_001407300.1); c.1850G>C, p.Trp617Ser (NM_001407304.1, NM_001407305.1, NM_001407306.1 and 4 more transcripts); c.2675G>C, p.Trp892Ser (NM_001407296.1); c.2663G>C, p.Trp888Ser (NM_001407297.1); c.947G>C, p.Trp316Ser (NM_001407312.1, NM_001407313.1); c.269G>C, p.Trp90Ser (NM_001407314.1); c.2587-2155G>C (NM_001407302.1, NM_001407298.1); c.1702-2155G>C (NM_001407307.1); short protein forms W888S, W912S, W316S, W617S, W892S, W90S.
Identifiers: ClinVar variation 3657231 (VCV003657231.2).